The following is an entry in ClinVar:

ClinVar aggregate classification (germline): Uncertain significance. Review status: criteria provided, multiple submitters, no conflicts (2 of 4 stars). 3 submissions from 3 submitters: Uncertain significance (3). Last evaluated 2025-07-13.

Conditions:
Cardiovascular phenotype. Identifiers: MedGen CN230736.
Arrhythmogenic right ventricular dysplasia 8 (ARVD8). Also called: ARRHYTHMOGENIC RIGHT VENTRICULAR DYSPLASIA, FAMILIAL, 8; ARRHYTHMOGENIC RIGHT VENTRICULAR CARDIOMYOPATHY 8; Arrhythmogenic Right Ventricular Dysplasia/Cardiomyopathy 8. Identifiers: MedGen C1843896, MONDO:0011831, OMIM 607450.
Arrhythmogenic cardiomyopathy with wooly hair and keratoderma. Also called: PALMOPLANTAR KERATODERMA WITH LEFT VENTRICULAR CARDIOMYOPATHY AND WOOLLY HAIR; Carvajal syndrome; Dilated cardiomyopathy with woolly hair and keratoderma; Arrhythmogenic cardiomyopathy with woolly hair and keratoderma. Identifiers: Orphanet 65282, MedGen C1854063, MONDO:0011581, OMIM 605676.
Cardiomyopathy (CMYO). Also called: Cardiomyopathies. Identifiers: Orphanet 167848, MedGen C0878544, MONDO:0004994, HP:0001638. Inheritance: Various modes of inheritance.

Allele frequency attached by ClinVar (database versions not stated): gnomAD exomes below 0.00001; ExAC 0.00001; gnomAD 0.00001; TOPMed 0.00001; ESP Exome Variant Server 0.00008.
gnomAD v4.1: 3 of 1,614,076 alleles (0.00019%); highest among the groups gnomAD compares: Non-Finnish European, 0.00025%; no homozygotes.

Submissions (3):

Ambry Genetics
Classification: Uncertain significance for Cardiovascular phenotype. Last evaluated: 2025-07-13. Review status: criteria provided, single submitter. Criteria: Ambry Variant Classification Scheme 2023. Collection method: clinical testing. Allele origin: germline.
Comment: The p.E2476G variant (also known as c.7427A>G), located in coding exon 24 of the DSP gene, results from an A to G substitution at nucleotide position 7427. The glutamic acid at codon 2476 is replaced by glycine, an amino acid with similar properties. This amino acid position is conserved. In addition, this alteration is predicted to be deleterious by in silico analysis. Since supporting evidence is limited at this time, the clinical significance of this alteration remains unclear.

Labcorp Genetics (formerly Invitae), Labcorp
Classification: Uncertain significance for Arrhythmogenic cardiomyopathy with wooly hair and keratoderma; Arrhythmogenic right ventricular dysplasia 8. Last evaluated: 2024-04-01. Review status: criteria provided, single submitter. Criteria: Invitae Variant Classification Sherloc (09022015). Collection method: clinical testing. Allele origin: germline.
Comment: This sequence change replaces glutamic acid, which is acidic and polar, with glycine, which is neutral and non-polar, at codon 2476 of the DSP protein (p.Glu2476Gly). This variant is present in population databases (rs368402334, gnomAD 0.0009%). This variant has not been reported in the literature in individuals affected with DSP-related conditions. An algorithm developed to predict the effect of missense changes on protein structure and function (PolyPhen-2) suggests that this variant is likely to be disruptive. In summary, the available evidence is currently insufficient to determine the role of this variant in disease. Therefore, it has been classified as a Variant of Uncertain Significance.

Color Diagnostics, LLC DBA Color Health
Classification: Uncertain significance for Cardiomyopathy. Last evaluated: 2023-06-14. Review status: criteria provided, single submitter. Criteria: ACMG Guidelines, 2015. Collection method: clinical testing. Allele origin: germline.
Comment: This missense variant replaces glutamic acid with glycine at codon 2476 of the DSP protein. Computational prediction suggests that this variant may have deleterious impact on protein structure and function. To our knowledge, functional studies have not been reported for this variant. This variant has not been reported in individuals affected with DSP-related disorders in the literature. This variant has been identified in 1/251380 chromosomes in the general population by the Genome Aggregation Database (gnomAD). The available evidence is insufficient to determine the role of this variant in disease conclusively. Therefore, this variant is classified as a Variant of Uncertain Significance.

NM_004415.4(DSP):c.7427A>G (p.Glu2476Gly)

Gene: DSP (desmoplakin; plus strand). Cytogenetic location: 6p24.3.
Variant type: single nucleotide variant.
Coding change: c.7427A>G on transcript NM_004415.4 (MANE Select); coding-DNA position 7427, A replaced by G.
Protein change: p.Glu2476Gly; replaces glutamic acid 2476 with glycine.
Molecular consequence: missense variant.
Genome position (GRCh38, 1-based): chr6:7,584,689, A>G. VCF-style: chr6-7584689-A-G. GRCh37 (hg19) VCF-style: chr6-7584922-A-G.
Other names: c.5630A>G, p.Glu1877Gly (NM_001008844.3); c.6098A>G, p.Glu2033Gly (NM_001319034.2); short protein forms E1877G, E2033G, E2476G.
Identifiers: ClinVar variation 3224247 (VCV003224247.5), dbSNP rs368402334, ClinGen allele CA049894.